The following is an entry in ClinVar:

NM_007118.4(TRIO):c.1179C>T (p.Asn393=)

Gene: TRIO (trio Rho guanine nucleotide exchange factor; plus strand). Cytogenetic location: 5p15.2.
Variant type: single nucleotide variant.
Coding change: c.1179C>T on transcript NM_007118.4 (MANE Select); coding-DNA position 1179, C replaced by T.
Protein change: p.Asn393=; no amino-acid change (asparagine 393 retained).
Molecular consequence: synonymous variant. On other transcripts: non-coding transcript variant (1).
Genome position (GRCh38, 1-based): chr5:14,297,074, C>T. VCF-style: chr5-14297074-C-T. GRCh37 (hg19) VCF-style: chr5-14297183-C-T.
Identifiers: ClinVar variation 770715 (VCV000770715.34), dbSNP rs56035446, ClinGen allele CA3205583.

ClinVar aggregate classification (germline): Benign/Likely benign. Review status: criteria provided, multiple submitters, no conflicts (2 of 4 stars). 5 submissions from 5 submitters: Benign (3); Likely benign (1). 1 of the submissions does not count toward it. Last evaluated 2026-09-01.

Conditions:
TRIO-related disorder. Also called: TRIO-related disorders; TRIO-related condition.

Allele frequency attached by ClinVar (database versions not stated): 1000 Genomes Project 0.00080; 1000 Genomes Project 30x 0.00109; gnomAD exomes 0.00315 and 0.00564; ExAC 0.00324; TOPMed 0.00360; gnomAD 0.00373 and 0.00399; ESP Exome Variant Server 0.00423.
gnomAD v4.1: 8,668 of 1,606,598 alleles (0.54%); highest among the groups gnomAD compares: Non-Finnish European, 0.68%; 34 homozygotes.

Submissions (5):

CeGaT Center for Human Genetics Tuebingen
Classification: Likely benign. Last evaluated: 2026-09-01. Review status: criteria provided, single submitter. Criteria: CeGaT Center For Human Genetics Tuebingen Variant Classification Criteria Version 2. Collection method: clinical testing. Allele origin: germline. Affected: yes. Observed: 39 variant alleles.
Comment: TRIO: BP4, BP7, BS2

Labcorp Genetics (formerly Invitae), Labcorp
Classification: Benign. Last evaluated: 2019-12-31. Review status: criteria provided, single submitter. Criteria: Invitae Variant Classification Sherloc (09022015). Collection method: clinical testing. Allele origin: germline.

Genetic Services Laboratory, University of Chicago
Classification: Benign. Last evaluated: 2019-09-17. Review status: criteria provided, single submitter. Criteria: ACMG Guidelines, 2015. Collection method: clinical testing. Allele origin: germline. Affected: no.

GeneDx
Classification: Benign. Last evaluated: 2019-04-09. Review status: criteria provided, single submitter. Criteria: GeneDx Variant Classification Process June 2021. Collection method: clinical testing. Allele origin: germline. Affected: yes.

PreventionGenetics, part of Exact Sciences
Classification: Benign for TRIO-related condition. Last evaluated: 2019-05-09. Review status: no assertion criteria provided. Collection method: clinical testing. Allele origin: germline. Not counted in ClinVar's aggregate classification.
Comment: This variant is classified as benign based on ACMG/AMP sequence variant interpretation guidelines (Richards et al. 2015 PMID: 25741868, with internal and published modifications).